The following is an entry in ClinVar:

NM_001165963.4(SCN1A):c.5611_5617del (p.Phe1871fs)

Genes: SCN1A (sodium voltage-gated channel alpha subunit 1; minus strand), LOC102724058 (uncharacterized LOC102724058; plus strand). Cytogenetic location: 2q24.3.
Variant type: Deletion.
Coding change: c.5611_5617del on transcript NM_001165963.4 (MANE Select); coding-DNA positions 5611 to 5617, 7 bases deleted (TTTACAA; older notation c.5611_5617delTTTACAA).
Protein change: p.Phe1871fs; shifts the reading frame from phenylalanine 1871.
Molecular consequence: frameshift variant. On other transcripts: non-coding transcript variant (1).
Genome position (GRCh38, 1-based): chr2:165,991,658-165,991,664, TTGTAAA deleted on the plus strand (TTTACAA on the coding strand, the reverse complement: SCN1A is on the minus strand). VCF-style (leftmost placement, unchanged base first): chr2-165991657-TTTGTAAA-T. GRCh37 (hg19) VCF-style: chr2-166848167-TTTGTAAA-T.
Other names: c.5527_5533del, p.Phe1843fs (NM_001165964.3, NM_001353958.2, NM_001353957.2); c.5611_5617del, p.Phe1871fs (NM_001202435.3, NM_001353948.2); c.5524_5530del, p.Phe1842fs (NM_001353960.2); c.5578_5584del, p.Phe1860fs (NM_001353949.2, NM_001353950.2, NM_001353951.2 and 2 more transcripts); c.5575_5581del, p.Phe1859fs (NM_001353954.2, NM_001353955.2); c.3169_3175del, p.Phe1057fs (NM_001353961.2); short protein forms F1859fs, F1057fs, F1843fs, F1842fs, F1860fs, F1871fs.
Identifiers: ClinVar variation 2584795 (VCV002584795.1), dbSNP rs2468329134, ClinGen allele CA2582342020.
Genomic context (GRCh38, chr2:165,991,657, plus strand): 5'-AATCGCTCTTCCATCTGTATTCGTAGAGCATCCATCTCTCCACTCTCTCCTAGAACCCGC[TTTGTAAA>T]AGCAAATAAGATATCAAGACAGTGGATCCGGTCACCACTCACCATGGGCAAATCCATGGC-3'

ClinVar aggregate classification (germline): Uncertain significance (1 of 4 stars; one submission).

Conditions:
Severe myoclonic epilepsy in infancy (DRVT). Also called: Severe Myoclonic Epilepsy in Infancy (SMEI); Dravet syndrome; SEVERE MYOCLONIC EPILEPSY OF INFANCY; DEVELOPMENTAL AND EPILEPTIC ENCEPHALOPATHY 6A; Epileptic encephalopathy, early infantile, 6 (Dravet syndrome). Identifiers: Orphanet 33069, MedGen C0751122, MONDO:0100135, OMIM 607208.

Submission:

Neuberg Centre For Genomic Medicine, NCGM
Classification: Uncertain significance for Severe myoclonic epilepsy in infancy. Review status: criteria provided, single submitter. Criteria: ACMG Guidelines, 2015. Collection method: clinical testing. Allele origin: germline. Inheritance: Autosomal dominant inheritance. Affected: yes.
Comment: The c.5611_5617del (p.Phe1871SerfsTer4) frameshift variant in SCN1A gene has not been reported previously as a pathogenic variant nor as a benign variant, to our knowledge. The p.Phe1871SerfsTer4 variant is novel (not in any individuals) in gnomAD Exomes and is novel (not in any individuals) in 1000 Genomes. This variant causes a frameshift starting with codon Phenylalanine 1871, changes this amino acid to Serine residue, and creates a premature Stop codon at position 4 of the new reading frame, denoted p.Phe1871SerfsTer4. Loss of function variants have been previously reported to be disease causing. However since this variant is present in the last exon functional studies will be required to prove protein truncation. Hence the variant is classified as Variant of Uncertain Significance (VUS).